The following is an entry in ClinVar:

ClinVar aggregate classification (germline): Benign/Likely benign. Review status: criteria provided, multiple submitters, no conflicts (2 of 4 stars). 2 submissions from 2 submitters: Benign (1); Likely benign (1). Last evaluated 2025-03-26.

Conditions:
Peutz-Jeghers syndrome (PJS). Also called: Peutz-Jeghers polyposis; Periorificial lentiginosis syndrome; POLYPOSIS, HAMARTOMATOUS INTESTINAL; POLYPS-AND-SPOTS SYNDROME. Identifiers: Orphanet 2869, MedGen C0031269, MeSH D010580, MONDO:0008280, OMIM 175200.

Submissions (2):

Myriad Genetics, Inc.
Classification: Benign for Peutz-Jeghers syndrome. Last evaluated: 2025-03-26. Review status: criteria provided, single submitter. Criteria: Myriad Autosomal Dominant, Autosomal Recessive and X-Linked Classification Criteria (2023). Collection method: clinical testing. Allele origin: unknown.
Comment: This variant is considered benign. This variant is a silent/synonymous amino acid change and it is not expected to impact splicing.

All of Us Research Program, National Institutes of Health
Classification: Likely benign for Peutz-Jeghers syndrome. Last evaluated: 2024-08-13. Review status: criteria provided, single submitter. Criteria: ACMG Guidelines, 2015. Collection method: clinical testing. Allele origin: germline. Inheritance: Autosomal dominant inheritance. Observed: 1 variant allele, 1 heterozygote.
Comment: This study involves interpretation of variants in research participants for the purpose of population health screening. Participant phenotype was not available at the time of variant classification. Additional details can be found in publication PMID: 35346344, PMCID: PMC8962531

NM_000455.5(STK11):c.525G>A (p.Lys175=)

Gene: STK11 (serine/threonine kinase 11; plus strand). Cytogenetic location: 19p13.3.
Variant type: single nucleotide variant.
Coding change: c.525G>A on transcript NM_000455.5 (MANE Select); coding-DNA position 525, G replaced by A.
Protein change: p.Lys175=; no amino-acid change (lysine 175 retained).
Molecular consequence: synonymous variant. On other transcripts: non-coding transcript variant (1).
Genome position (GRCh38, 1-based): chr19:1,220,433, G>A. VCF-style: chr19-1220433-G-A. GRCh37 (hg19) VCF-style: chr19-1220432-G-A.
Other names: c.525G>A, p.Lys175= (NM_001407255.1).
Identifiers: ClinVar variation 3386034 (VCV003386034.2).